The following is an entry in ClinVar:

NM_031935.3(HMCN1):c.6974C>T (p.Thr2325Ile)

Gene: HMCN1 (hemicentin 1; plus strand). Cytogenetic location: 1q31.1.
Variant type: single nucleotide variant.
Coding change: c.6974C>T on transcript NM_031935.3 (MANE Select); coding-DNA position 6974, C replaced by T.
Protein change: p.Thr2325Ile; replaces threonine 2325 with isoleucine.
Molecular consequence: missense variant.
Genome position (GRCh38, 1-based): chr1:186,055,504, C>T. VCF-style: chr1-186055504-C-T. GRCh37 (hg19) VCF-style: chr1-186024636-C-T.
Other names: c.6974C>T (NM_031935.2); short protein forms T2325I.
Identifiers: ClinVar variation 1408045 (VCV001408045.10), dbSNP rs147722917, ClinGen allele CA1292707.

ClinVar aggregate classification (germline): Uncertain significance. Review status: criteria provided, multiple submitters, no conflicts (2 of 4 stars). 3 submissions from 3 submitters: Uncertain significance (3). Last evaluated 2025-04-23.

Conditions:
Age related macular degeneration 1 (ARMD1). Also called: MACULOPATHY, AGE-RELATED, 1. Identifiers: MedGen C1864205, MONDO:0011285, OMIM 603075.

Allele frequency attached by ClinVar (database versions not stated): gnomAD exomes 0.00002 and 0.00004; gnomAD 0.00004 and 0.00005; TOPMed 0.00006; ExAC 0.00007; ESP Exome Variant Server 0.00008; 1000 Genomes Project 30x 0.00016; 1000 Genomes Project 0.00020.
gnomAD v4.1: 36 of 1,612,922 alleles (0.0022%); highest among the groups gnomAD compares: African/African-American, 0.019%; no homozygotes.

Submissions (3):

Labcorp Genetics (formerly Invitae), Labcorp
Classification: Uncertain significance. Last evaluated: 2025-04-23. Review status: criteria provided, single submitter. Criteria: Invitae Variant Classification Sherloc (09022015). Collection method: clinical testing. Allele origin: germline.
Comment: This sequence change replaces threonine, which is neutral and polar, with isoleucine, which is neutral and non-polar, at codon 2325 of the HMCN1 protein (p.Thr2325Ile). This variant is present in population databases (rs147722917, gnomAD 0.02%). This variant has not been reported in the literature in individuals affected with HMCN1-related conditions. ClinVar contains an entry for this variant (Variation ID: 1408045). An algorithm developed to predict the effect of missense changes on protein structure and function (PolyPhen-2) suggests that this variant is likely to be disruptive. In summary, the available evidence is currently insufficient to determine the role of this variant in disease. Therefore, it has been classified as a Variant of Uncertain Significance.

Genome-Nilou Lab
Classification: Uncertain significance for Age related macular degeneration 1. Last evaluated: 2023-04-11. Review status: criteria provided, single submitter. Criteria: ACMG Guidelines, 2015. Collection method: clinical testing. Allele origin: germline. Affected: no.

Ambry Genetics
Classification: Uncertain significance. Last evaluated: 2021-06-22. Review status: criteria provided, single submitter. Criteria: Ambry Variant Classification Scheme 2023. Collection method: clinical testing. Allele origin: germline.